The following is an entry in ClinVar:

ClinVar aggregate classification (germline): Uncertain significance (1 of 4 stars; one submission).

Submission:

Labcorp Genetics (formerly Invitae), Labcorp
Classification: Uncertain significance. Last evaluated: 2025-12-28. Review status: criteria provided, single submitter. Criteria: Invitae Variant Classification Sherloc (09022015). Collection method: clinical testing. Allele origin: germline.
Comment: This sequence change replaces histidine, which is basic and polar, with asparagine, which is neutral and polar, at codon 391 of the FH protein (p.His391Asn). This variant is not present in population databases (gnomAD no frequency). This variant has not been reported in the literature in individuals affected with FH-related conditions. Invitae Evidence Modeling of protein sequence and biophysical properties (such as structural, functional, and spatial information, amino acid conservation, physicochemical variation, residue mobility, and thermodynamic stability) indicates that this missense variant is not expected to disrupt FH protein function with a negative predictive value of 95%. This variant disrupts the p.His391 amino acid residue in FH. Other variant(s) that disrupt this residue have been determined to be pathogenic (internal data). This suggests that this residue is clinically significant, and that variants that disrupt this residue are likely to be disease-causing. In summary, the available evidence is currently insufficient to determine the role of this variant in disease. Therefore, it has been classified as a Variant of Uncertain Significance.

NM_000143.4(FH):c.1171C>A (p.His391Asn)

Gene: FH (fumarate hydratase; minus strand). Cytogenetic location: 1q43.
Variant type: single nucleotide variant.
Coding change: c.1171C>A on transcript NM_000143.4 (MANE Select); coding-DNA position 1171, C replaced by A.
Protein change: p.His391Asn; replaces histidine 391 with asparagine.
Molecular consequence: missense variant.
Genome position (GRCh38, 1-based): chr1:241,502,508, G>T on the plus strand (C>A on the coding strand, the complement: FH is on the minus strand). VCF-style: chr1-241502508-G-T. GRCh37 (hg19) VCF-style: chr1-241665808-G-T.
Other names: short protein forms H391N.
Identifiers: ClinVar variation 4745918 (VCV004745918.1).